The following is an entry in ClinVar:

NM_001394062.1(MACF1):c.20100G>A (p.Lys6700=)

Gene: MACF1 (microtubule actin crosslinking factor 1; plus strand). Cytogenetic location: 1p34.3.
Variant type: single nucleotide variant.
Coding change: c.20100G>A on transcript NM_001394062.1 (MANE Select); coding-DNA position 20100, G replaced by A.
Protein change: p.Lys6700=; no amino-acid change (lysine 6700 retained).
Molecular consequence: synonymous variant.
Genome position (GRCh38, 1-based): chr1:39,448,605, G>A. VCF-style: chr1-39448605-G-A. GRCh37 (hg19) VCF-style: chr1-39914277-G-A.
Other names: c.8178G>A, p.Lys2726= (NM_001397473.1); c.13923G>A, p.Lys4641= (NM_012090.5).
Identifiers: ClinVar variation 2075442 (VCV002075442.14), dbSNP rs373353949, ClinGen allele CA784310.
Genomic context (GRCh38, chr1:39,448,605, plus strand): 5'-GATGTCGTCTGACTTTTAACACTTTTTTCTTTTCTTTCTGGAAACATAGGAGTTTCAGAA[G>A]ACTCTTGGTGGCAAGCAGCCTGTGTATGATACCACAATTAGAACTGGCAGAGCACTGAAA-3'
Protein context (NP_001380991.1, residues 6690-6710): LQLSKHKEFQ[Lys6700=]TLGGKQPVYD

ClinVar aggregate classification (germline): Likely benign. Review status: criteria provided, multiple submitters, no conflicts (2 of 4 stars). 2 submissions from 2 submitters: Likely benign (2). Last evaluated 2026-03-01.

Allele frequency attached by ClinVar (database versions not stated): ESP Exome Variant Server 0.00023; ExAC 0.00006; gnomAD exomes 0.00008.
gnomAD v4.1: 113 of 1,525,992 alleles (0.0074%); highest among the groups gnomAD compares: Middle Eastern, 0.035%; no homozygotes.

Submissions (2):

CeGaT Center for Human Genetics Tuebingen
Classification: Likely benign. Last evaluated: 2026-03-01. Review status: criteria provided, single submitter. Criteria: CeGaT Center For Human Genetics Tuebingen Variant Classification Criteria Version 2. Collection method: clinical testing. Allele origin: germline. Affected: yes. Observed: 5 variant alleles.
Comment: MACF1: BP4, BP7

Labcorp Genetics (formerly Invitae), Labcorp
Classification: Likely benign. Last evaluated: 2024-04-22. Review status: criteria provided, single submitter. Criteria: Invitae Variant Classification Sherloc (09022015). Collection method: clinical testing. Allele origin: germline.